The following is an entry in ClinVar:

ClinVar aggregate classification (germline): Uncertain significance. Review status: criteria provided, multiple submitters, no conflicts (2 of 4 stars). 2 submissions from 2 submitters: Uncertain significance (2). Last evaluated 2025-04-02.

Conditions:
Inborn genetic diseases. Identifiers: MedGen C0950123, MeSH D030342.

Allele frequency attached by ClinVar (database versions not stated): ExAC 0.00001; TOPMed 0.00001.
gnomAD v4.1: 7 of 1,612,716 alleles (0.00043%); highest among the groups gnomAD compares: Non-Finnish European, 0.00059%; no homozygotes.

Submissions (2):

Ambry Genetics
Classification: Uncertain significance for Inborn genetic diseases. Last evaluated: 2025-04-02. Review status: criteria provided, single submitter. Criteria: Ambry Variant Classification Scheme 2023. Collection method: clinical testing. Allele origin: germline.

Labcorp Genetics (formerly Invitae), Labcorp
Classification: Uncertain significance. Last evaluated: 2019-09-01. Review status: criteria provided, single submitter. Criteria: Invitae Variant Classification Sherloc (09022015). Collection method: clinical testing. Allele origin: germline.
Comment: This variant has not been reported in the literature in individuals with NEDD4L-related conditions. This sequence change replaces threonine with serine at codon 390 of the NEDD4L protein (p.Thr390Ser). The threonine residue is highly conserved and there is a small physicochemical difference between threonine and serine. This variant is present in population databases (rs765354549, ExAC 0.002%). Algorithms developed to predict the effect of missense changes on protein structure and function (SIFT, PolyPhen-2, Align-GVGD) all suggest that this variant is likely to be tolerated, but these predictions have not been confirmed by published functional studies and their clinical significance is uncertain. In summary, the available evidence is currently insufficient to determine the role of this variant in disease. Therefore, it has been classified as a Variant of Uncertain Significance.

NM_001144967.3(NEDD4L):c.1229C>G (p.Thr410Ser)

Gene: NEDD4L (NEDD4 like E3 ubiquitin protein ligase; plus strand). Cytogenetic location: 18q21.31.
Variant type: single nucleotide variant.
Coding change: c.1229C>G on transcript NM_001144967.3 (MANE Select); coding-DNA position 1229, C replaced by G.
Protein change: p.Thr410Ser; replaces threonine 410 with serine.
Molecular consequence: missense variant. On other transcripts: intron variant (1).
Genome position (GRCh38, 1-based): chr18:58,341,141, C>G. VCF-style: chr18-58341141-C-G. GRCh37 (hg19) VCF-style: chr18-56008373-C-G.
Other names: c.866C>G, p.Thr289Ser (NM_001144964.1, NM_001144965.2, NM_001144966.3); c.1205C>G, p.Thr402Ser (NM_001144968.2); c.1145C>G, p.Thr382Ser (NM_001144969.2); c.806C>G, p.Thr269Ser (NM_001144970.3, NM_001144971.2); c.1169C>G, p.Thr390Ser (NM_015277.6); c.1066-537C>G (NM_001243960.2); short protein forms T269S, T289S, T382S, T402S, T410S, T390S.
Identifiers: ClinVar variation 953704 (VCV000953704.10), dbSNP rs765354549, ClinGen allele CA8975619.
Genomic context (GRCh38, chr18:58,341,141, plus strand): 5'-GCTGGGAAGAAAGAAAAGATGCTAAGGGGCGCACATACTATGTCAATCATAACAATCGAA[C>G]CACAACTTGGACTCGACCTATCATGCAGGTACGAAGATTGCCATCCAACTTAAAACCGCA-3'
Protein context (NP_001138439.1, residues 400-420): RTYYVNHNNR[Thr410Ser]TTWTRPIMQL